The following is an entry in ClinVar:

ClinVar aggregate classification (germline): Pathogenic (1 of 4 stars; one submission).

Submission:

Labcorp Genetics (formerly Invitae), Labcorp
Classification: Pathogenic. Last evaluated: 2024-08-27. Review status: criteria provided, single submitter. Criteria: Invitae Variant Classification Sherloc (09022015). Collection method: clinical testing. Allele origin: germline.
Comment: This sequence change creates a premature translational stop signal (p.Ser403*) in the IMPG2 gene. It is expected to result in an absent or disrupted protein product. Loss-of-function variants in IMPG2 are known to be pathogenic (PMID: 20673862). This variant is not present in population databases (gnomAD no frequency). This variant has not been reported in the literature in individuals affected with IMPG2-related conditions. For these reasons, this variant has been classified as Pathogenic.

Literature cited by the submitters: PubMed 20673862.

NM_016247.4(IMPG2):c.1208C>G (p.Ser403Ter)

Gene: IMPG2 (interphotoreceptor matrix proteoglycan 2; minus strand). Cytogenetic location: 3q12.3.
Variant type: single nucleotide variant.
Coding change: c.1208C>G on transcript NM_016247.4 (MANE Select); coding-DNA position 1208, C replaced by G.
Protein change: p.Ser403Ter; replaces serine 403 with a stop codon.
Molecular consequence: nonsense.
Genome position (GRCh38, 1-based): chr3:101,253,727, G>C on the plus strand (C>G on the coding strand, the complement: IMPG2 is on the minus strand). VCF-style: chr3-101253727-G-C. GRCh37 (hg19) VCF-style: chr3-100972571-G-C.
Other names: short protein forms S403*.
Identifiers: ClinVar variation 3663584 (VCV003663584.2).